The following is an entry in ClinVar:

ClinVar aggregate classification (germline): Uncertain significance (1 of 4 stars; one submission).

Allele frequency attached by ClinVar (database versions not stated): gnomAD 0.00001.

Submission:

Labcorp Genetics (formerly Invitae), Labcorp
Classification: Uncertain significance. Last evaluated: 2025-03-31. Review status: criteria provided, single submitter. Criteria: Invitae Variant Classification Sherloc (09022015). Collection method: clinical testing. Allele origin: germline.
Comment: This sequence change replaces valine, which is neutral and non-polar, with methionine, which is neutral and non-polar, at codon 15 of the KIF2A protein (p.Val15Met). This variant is not present in population databases (gnomAD no frequency). This variant has not been reported in the literature in individuals affected with KIF2A-related conditions. ClinVar contains an entry for this variant (Variation ID: 1478869). An algorithm developed to predict the effect of missense changes on protein structure and function (PolyPhen-2) suggests that this variant is likely to be disruptive. In summary, the available evidence is currently insufficient to determine the role of this variant in disease. Therefore, it has been classified as a Variant of Uncertain Significance.

NM_001098511.3(KIF2A):c.43G>A (p.Val15Met)

Genes: KIF2A (kinesin family member 2A; plus strand), LOC129993961 (ATAC-STARR-seq lymphoblastoid silent region 16051; plus strand). Cytogenetic location: 5q12.1.
Variant type: single nucleotide variant.
Coding change: c.43G>A on transcript NM_001098511.3 (MANE Select); coding-DNA position 43, G replaced by A.
Protein change: p.Val15Met; replaces valine 15 with methionine.
Molecular consequence: missense variant. On other transcripts: 5 prime UTR variant (1).
Genome position (GRCh38, 1-based): chr5:62,306,515, G>A. VCF-style: chr5-62306515-G-A. GRCh37 (hg19) VCF-style: chr5-61602342-G-A.
Other names: c.-242G>A (NM_001243952.2); c.43G>A, p.Val15Met (NM_001243953.2, NM_004520.5); short protein forms V15M.
Identifiers: ClinVar variation 1478869 (VCV001478869.8), dbSNP rs1745283733, ClinGen allele CA359950156.